The following is an entry in ClinVar:

NM_007227.3(GPR45):c.83A>C (p.Gln28Pro)

Gene: GPR45 (G protein-coupled receptor 45; plus strand). Cytogenetic location: 2q12.1.
Variant type: single nucleotide variant.
Coding change: c.83A>C on transcript NM_007227.3 (MANE Select); coding-DNA position 83, A replaced by C.
Protein change: p.Gln28Pro; replaces glutamine 28 with proline.
Molecular consequence: missense variant.
Genome position (GRCh38, 1-based): chr2:105,241,941, A>C. VCF-style: chr2-105241941-A-C. GRCh37 (hg19) VCF-style: chr2-105858398-A-C.
Other names: short protein forms Q28P.
Identifiers: ClinVar variation 3661592 (VCV003661592.2).

ClinVar aggregate classification (germline): Uncertain significance (1 of 4 stars; one submission).

gnomAD v4.1: 2 of 1,612,324 alleles (0.00012%); highest among the groups gnomAD compares: South Asian, 0.0011%; no homozygotes.

Submission:

Labcorp Genetics (formerly Invitae), Labcorp
Classification: Uncertain significance. Last evaluated: 2025-01-06. Review status: criteria provided, single submitter. Criteria: Invitae Variant Classification Sherloc (09022015). Collection method: clinical testing. Allele origin: germline.
Comment: This sequence change replaces glutamine, which is neutral and polar, with proline, which is neutral and non-polar, at codon 28 of the GPR45 protein (p.Gln28Pro). This variant is present in population databases (rs765340371, gnomAD 0.003%). This variant has not been reported in the literature in individuals affected with GPR45-related conditions. An algorithm developed to predict the effect of missense changes on protein structure and function outputs the following: PolyPhen-2: "Benign". The proline amino acid residue is found in multiple mammalian species, which suggests that this missense change does not adversely affect protein function. In summary, the available evidence is currently insufficient to determine the role of this variant in disease. Therefore, it has been classified as a Variant of Uncertain Significance.